The following is an entry in ClinVar:

ClinVar aggregate classification (germline): Uncertain significance. Review status: criteria provided, single submitter (1 of 4 stars). 2 submissions from 2 submitters: Uncertain significance (1). 1 of the submissions does not count toward it. Last evaluated 2024-07-15.

Conditions:
NPHP1-related disorder. Also called: NPHP1-related disorders; NPHP1-related condition.

Submissions (2):

GeneDx
Classification: Uncertain significance. Last evaluated: 2024-07-15. Review status: criteria provided, single submitter. Criteria: GeneDx Variant Classification Process June 2021. Collection method: clinical testing. Allele origin: germline. Affected: yes.
Comment: Not observed at significant frequency in large population cohorts (gnomAD); Has not been previously published as pathogenic or benign to our knowledge; In silico analysis is inconclusive as to whether the variant alters gene splicing. In the absence of RNA/functional studies, the actual effect of this sequence change is unknown.

PreventionGenetics, part of Exact Sciences
Classification: Uncertain significance for NPHP1-related condition. Last evaluated: 2024-09-27. Review status: no assertion criteria provided. Collection method: clinical testing. Allele origin: germline. Not counted in ClinVar's aggregate classification.
Comment: The NPHP1 c.1930-6delT variant is predicted to result in an intronic deletion. This variant is predicted to alter splicing based on available splicing prediction programs (SpliceAI, Jaganathan et al. 2019. PubMed ID: 30661751). However, the use of computer prediction programs is not equivalent to functional evidence. To our knowledge, this variant has not been reported in the literature or in a large population database, indicating this variant is rare. At this time, the clinical significance of this variant is uncertain due to the absence of conclusive functional and genetic evidence.

NM_001128178.3(NPHP1):c.1762-6del

Gene: NPHP1 (nephrocystin 1; minus strand). Cytogenetic location: 2q13.
Variant type: Deletion.
Coding change: c.1762-6del on transcript NM_001128178.3 (MANE Select); 6 bases into the intron before coding-DNA position 1762, one base deleted (T; older notation c.1762-6delT).
Molecular consequence: intron variant.
Genome position (GRCh38, 1-based): chr2:110,124,069, A deleted on the plus strand (T on the coding strand, the reverse complement: NPHP1 is on the minus strand); the first of 4 consecutive A bases (chr2:110,124,069-110,124,072); deleting any one gives the same sequence. VCF-style (leftmost placement, unchanged base first): chr2-110124068-GA-G. GRCh37 (hg19) VCF-style: chr2-110881645-GA-G.
Other names: c.1573-6del (NM_001128179.3); c.1759-6del (NM_001374256.1); c.*4-6del (NM_001374257.1); c.1927-6del (NM_207181.4); c.1930-6del (NM_000272.5).
Identifiers: ClinVar variation 3350095 (VCV003350095.2).